The following is an entry in ClinVar:

NR_003137.3(RNU4-2):n.30A>T

Genes: RNU4-2 (RNA, U4 small nuclear 2; minus strand), SIRT4 (sirtuin 4; plus strand). Cytogenetic location: 12q24.23.
Variant type: single nucleotide variant.
Molecular consequence: non-coding transcript variant (on NR_003137.3).
Genome position: GRCh38 VCF-style: chr12-120291874-T-A. GRCh37 (hg19) VCF-style: chr12-120729677-T-A.
Identifiers: ClinVar variation 3390371 (VCV003390371.2).

ClinVar aggregate classification (germline): Uncertain significance (1 of 4 stars; one submission).

Conditions:
Neurodevelopmental disorder with hypotonia, brain anomalies, distinctive facies, and absent language. Also called: ReNU SYNDROME; RNU4-2–Related Autosomal Dominant Neurodevelopmental Disorder; RNU4-2-Related Neurodevelopmental Disorder. Identifiers: Orphanet 686488, MedGen C5935628, MONDO:0971172, OMIM 620851.

Submission:

Tartaglia Lab, Genetics and Rare Diseases Research Division, Bambino Gesu' Children's Hospital
Classification: Uncertain significance for Neurodevelopmental disorder with hypotonia, brain anomalies, distinctive facies, and absent language. Last evaluated: 2024-11-27. Review status: criteria provided, single submitter. Criteria: ACMG Guidelines, 2015. Collection method: clinical testing. Allele origin: maternal. Inheritance: Autosomal dominant inheritance. Affected: yes. Observed: 1 heterozygote.
Comment: To assess the classification of the n.30A>T variant, ACMG criteria were applied as follows: PP4-Supporting (variant identified in a subject clinically fitting ReNU syndrome); PM2-Moderate (gnomAD v.4.1.0); BS4-Strong (maternally inherited); PP3-Supporting (documented structural impact). Based on this evidence, the variant is classified as VUS.